The following is an entry in ClinVar:

ClinVar aggregate classification (germline): Conflicting classifications of pathogenicity. Review status: criteria provided, conflicting classifications (1 of 4 stars). 11 submissions from 11 submitters: Uncertain significance (4); Likely benign (5). 2 of the submissions do not count toward it. Last evaluated 2026-01-10.

Conditions:
Familial cancer of breast. Also called: BREAST CANCER, FAMILIAL; hereditary breast carcinoma; Hereditary breast cancer. Identifiers: Orphanet 227535, MedGen C0346153, MONDO:0016419, OMIM 114480. Disease mechanism: loss of function.
Hereditary breast ovarian cancer syndrome. Also called: Hereditary breast and ovarian cancer; Hereditary breast and ovarian cancer syndrome (HBOC); Hereditary breast and ovarian cancer syndrome; BRCA1- and BRCA2-Associated Hereditary Breast and Ovarian Cancer; Breast and ovarian cancer; Hereditary breast and/or ovarian cancer syndrome. Identifiers: Orphanet 145, MedGen C0677776, MeSH D061325, MONDO:0003582. Disease mechanism: loss of function.
Hereditary cancer-predisposing syndrome. Also called: Tumor predisposition; Neoplastic Syndromes, Hereditary; Hereditary neoplastic syndrome; Hereditary Cancer Syndrome. Identifiers: Orphanet 140162, MedGen C0027672, MeSH D009386, MONDO:0015356.
Breast-ovarian cancer, familial, susceptibility to, 2 (BROVCA2). Also called: BRCA2 Hereditary Breast and Ovarian Cancer. Identifiers: Orphanet 145, MedGen C2675520, MONDO:0012933, OMIM 612555. Disease mechanism: loss of function.
Malignant tumor of breast. Also called: Malignant breast neoplasm; Cancer breast. Identifiers: MedGen C0006142, MONDO:0007254. Disease mechanism: loss of function.

Allele frequency attached by ClinVar (database versions not stated): gnomAD exomes below 0.00001; gnomAD 0.00001 and 0.00003; TOPMed 0.00001; 1000 Genomes Project 30x 0.00016; 1000 Genomes Project 0.00020.
gnomAD v4.1: 11 of 1,612,008 alleles (0.00068%); highest among the groups gnomAD compares: East Asian, 0.02%; no homozygotes.

Submissions (11):

Labcorp Genetics (formerly Invitae), Labcorp
Classification: Likely benign for Hereditary breast ovarian cancer syndrome. Last evaluated: 2026-01-10. Review status: criteria provided, single submitter. Criteria: Invitae Variant Classification Sherloc (09022015). Collection method: clinical testing. Allele origin: germline.

Color Diagnostics, LLC DBA Color Health
Classification: Likely benign for Hereditary cancer-predisposing syndrome. Last evaluated: 2025-03-25. Review status: criteria provided, single submitter. Criteria: ACMG Guidelines, 2015. Collection method: clinical testing. Allele origin: germline.

Women's Health and Genetics/Laboratory Corporation of America, LabCorp
Classification: Uncertain significance. Last evaluated: 2024-12-30. Review status: criteria provided, single submitter. Criteria: LabCorp Variant Classification Summary - May 2015. Collection method: clinical testing. Allele origin: germline.
Comment: Variant summary: BRCA2 c.2920G>A (p.Asp974Asn) results in a conservative amino acid change in the encoded protein sequence. Five of five in-silico tools predict a benign effect of the variant on protein function. The variant allele was found at a frequency of 3.6e-05 in 249132 control chromosomes, predominantly at a frequency of 0.00049 within the East Asian subpopulation in the gnomAD database. The available data on variant occurrences in the general population are insufficient to allow any conclusion about variant significance. c.2920G>A has been reported in the literature in individuals affected with Breast and/or Ovarian Cancer as well as in a healthy control subject (example, Kwong_2016, Wang_2019, Kim_2016). These report(s) do not provide unequivocal conclusions about association of the variant with Hereditary Breast And Ovarian Cancer Syndrome. To our knowledge, no experimental evidence demonstrating an impact on protein function has been reported. A recent report from the CAGI5 (fifth Critical Assessment of Genome Interpretation) challenge has classified this variant as likely benign in a prediction protocol that includes assessment of the impact of this variant on splicing and protein function using four sets of predictors (Padilla_2019). The following publications have been ascertained in the context of this evaluation (PMID: 26848529, 27157322, 31112341, 30982232). ClinVar contains an entry for this variant (Variation ID: 142931). Based on the evidence outlined above, the variant was classified as VUS-possibly benign.

Quest Diagnostics Nichols Institute San Juan Capistrano
Classification: Uncertain significance. Last evaluated: 2024-12-05. Review status: criteria provided, single submitter. Criteria: Quest Diagnostics criteria. Collection method: clinical testing. Allele origin: unknown.
Comment: The BRCA2 c.2920G>A (p.Asp974Asn) variant has been reported in the published literature in Chinese individuals with breast and or ovarian cancer (PMID: 30982232 (2019), 32091409 (2020), 32211327 (2020), 35918668 (2022)) as well as in reportedly healthy individuals (PMID: 27157322 (2016), 32467295 (2020)). In a large-scale breast cancer association study, the variant was observed in individuals with breast cancer as well as in reportedly healthy individuals (PMID: 33471991 (2021), see also LOVD). This variant is described to be located in a region of the BRCA2 gene that is tolerant to missense sequence changes (PMID: 31911673 (2020)). The frequency of this variant in the general population (Genome Aggregation Database) is higher than would generally be expected for pathogenic variants in this gene. Analysis of this variant using bioinformatics tools for the prediction of the effect of amino acid changes on protein structure and function yielded predictions that this variant is benign. Based on the available information, we are unable to determine the clinical significance of this variant.

All of Us Research Program, National Institutes of Health
Classification: Uncertain significance for Breast-ovarian cancer, familial, susceptibility to, 2. Last evaluated: 2023-12-18. Review status: criteria provided, single submitter. Criteria: ACMG Guidelines, 2015. Collection method: clinical testing. Allele origin: germline. Inheritance: Autosomal dominant inheritance. Observed: 4 variant alleles, 4 heterozygotes.
Comment: This missense variant replaces aspartic acid with asparagine at codon 974 of the BRCA2 protein. Computational prediction suggests that this variant may not impact protein structure and function (internally defined REVEL score threshold <= 0.5, PMID: 27666373). To our knowledge, functional studies have not been reported for this variant. This variant has been reported in individuals with a personal or family history of breast and/or ovarian cancer (PMID: 26848529, 30982232, 32091409) and in an unaffected individual (PMID: 27157322). In a breast cancer case-control meta-analysis, this variant was reported in 8//60466 cases and 4/53461 unaffected controls. (PMID: 33471991; Leiden Open Variation Database DB-ID BRCA2_007144). This variant has been identified in 9/249132 chromosomes in the general population by the Genome Aggregation Database (gnomAD). The available evidence is insufficient to determine the role of this variant in disease conclusively. Therefore, this variant is classified as a Variant of Uncertain Significance.

This study involves interpretation of variants in research participants for the purpose of population health screening. Participant phenotype was not available at the time of variant classification. Additional details can be found in publication PMID: 35346344, PMCID: PMC8962531

Myriad Genetics, Inc.
Classification: Likely benign for Breast-ovarian cancer, familial, susceptibility to, 2. Last evaluated: 2023-09-29. Review status: criteria provided, single submitter. Criteria: Myriad Autosomal Dominant, Autosomal Recessive and X-Linked Classification Criteria (2023). Collection method: clinical testing. Allele origin: unknown.
Comment: This variant is considered likely benign. This variant is strongly associated with less severe personal and family histories of cancer, typical for individuals without pathogenic variants in this gene [PMID: 25085752].

University of Washington Department of Laboratory Medicine, University of Washington
Classification: Likely benign for Hereditary cancer-predisposing syndrome. Last evaluated: 2023-03-23. Review status: criteria provided, single submitter. Criteria: Dines et al. (Genet Med. 2020). Collection method: curation. Allele origin: germline.
Comment: Missense variant in a coldspot region where missense variants are very unlikely to be pathogenic (PMID:31911673).

BRCA2 exon 11 coldspot. Reclassification based on statistical prior probability.

Ambry Genetics
Classification: Likely benign for Hereditary cancer-predisposing syndrome. Last evaluated: 2021-07-20. Review status: criteria provided, single submitter. Criteria: Ambry Variant Classification Scheme 2023. Collection method: clinical testing. Allele origin: germline.

GeneDx
Classification: Uncertain significance. Last evaluated: 2019-06-25. Review status: criteria provided, single submitter. Criteria: GeneDx Variant Classification Process June 2021. Collection method: clinical testing. Allele origin: germline. Affected: yes.
Comment: Not observed at a significant frequency in large population cohorts (Lek 2016); In silico analysis, which includes protein predictors and evolutionary conservation, supports a deleterious effect; also known as 3148G>A; Observed in individuals with breast and ovarian cancer as well as in healthy controls (Kim 2016, Kwong 2016); This variant is associated with the following publications: (PMID: 26848529, 27157322, 31825140)

Center for Precision Medicine, Meizhou People's Hospital
Classification: Uncertain significance for Familial cancer of breast. Review status: no assertion criteria provided. Collection method: literature only. Allele origin: germline. Affected: yes. Not counted in ClinVar's aggregate classification.

Department of Pathology and Laboratory Medicine, Sinai Health System
Classification: Uncertain significance for Malignant tumor of breast. Review status: no assertion criteria provided. Collection method: clinical testing. Allele origin: unknown. Affected: yes. Observed: 1 variant allele. Study: The Canadian Open Genetics Repository (COGR). Not counted in ClinVar's aggregate classification.
Comment: The BRCA2 p.Asp974Asn variant was not identified in the literature, nor was it identified in any of the databases searched, including dbSNP, NHLBI Exome Sequencing Project (EVS server), HGMD, LOVD, COSMIC, UMD, and BIC. The p.Asp974 residue is not conserved in mammals and the variant amino acid asparagine (Asn) is present in rat and mouse, increasing the likelihood that this variant does not have clinical significance. Computational analyses (PolyPhen-2, SIFT, AlignGVGD, BLOSUM) do not suggest a high likelihood of impact to the protein; however, this information is not predictive enough to rule out pathogenicity. In summary, based on the above information, the clinical significance of this variant cannot be determined with certainty at this time. This variant is classified as a variant of unknown significance.

Literature cited by the submitters: PubMed 26848529 (cited by 4 submitters); PubMed 27157322 (cited by 5 submitters); PubMed 30982232 (cited by 5 submitters); PubMed 31112341 (cited by 3 submitters); PubMed 33471991 (cited by Quest Diagnostics Nichols Institute San Juan Capistrano and All of Us Research Program, National Institutes of Health); PubMed 31911673 (cited by Quest Diagnostics Nichols Institute San Juan Capistrano); PubMed 32091409 (cited by Quest Diagnostics Nichols Institute San Juan Capistrano and All of Us Research Program, National Institutes of Health); PubMed 31825140 (cited by Quest Diagnostics Nichols Institute San Juan Capistrano); PubMed 32467295 (cited by Quest Diagnostics Nichols Institute San Juan Capistrano); PubMed 32211327 (cited by Quest Diagnostics Nichols Institute San Juan Capistrano); PubMed 35918668 (cited by Quest Diagnostics Nichols Institute San Juan Capistrano); PubMed 25085752 (cited by Myriad Genetics, Inc.).

NM_000059.4(BRCA2):c.2920G>A (p.Asp974Asn)

Gene: BRCA2 (BRCA2 DNA repair associated; plus strand). Cytogenetic location: 13q13.1.
Variant type: single nucleotide variant.
Coding change: c.2920G>A on transcript NM_000059.4 (MANE Select); coding-DNA position 2920, G replaced by A.
Protein change: p.Asp974Asn; replaces aspartic acid 974 with asparagine.
Molecular consequence: missense variant.
Genome position (GRCh38, 1-based): chr13:32,337,275, G>A. VCF-style: chr13-32337275-G-A. GRCh37 (hg19) VCF-style: chr13-32911412-G-A.
Other names: short protein forms D974N.
Identifiers: ClinVar variation 142931 (VCV000142931.36), dbSNP rs539613324, ClinGen allele CA016790.